The following is an entry in ClinVar:

ClinVar aggregate classification (germline): Uncertain significance (1 of 4 stars; one submission).

Conditions:
Costello syndrome (CSTLO). Also called: FACIOCUTANEOSKELETAL SYNDROME; HRAS-Related Costello Syndrome; FCS SYNDROME. Identifiers: Orphanet 3071, MedGen C0587248, MONDO:0009026, OMIM 218040.

Submission:

Labcorp Genetics (formerly Invitae), Labcorp
Classification: Uncertain significance for Costello syndrome. Last evaluated: 2022-11-04. Review status: criteria provided, single submitter. Criteria: Invitae Variant Classification Sherloc (09022015). Collection method: clinical testing. Allele origin: germline.
Comment: This variant has not been reported in the literature in individuals affected with HRAS-related conditions. In summary, the available evidence is currently insufficient to determine the role of this variant in disease. Therefore, it has been classified as a Variant of Uncertain Significance. Advanced modeling of protein sequence and biophysical properties (such as structural, functional, and spatial information, amino acid conservation, physicochemical variation, residue mobility, and thermodynamic stability) performed at Invitae indicates that this missense variant is expected to disrupt HRAS protein function. ClinVar contains an entry for this variant (Variation ID: 1021434). This variant is not present in population databases (gnomAD no frequency). This sequence change replaces arginine, which is basic and polar, with leucine, which is neutral and non-polar, at codon 68 of the HRAS protein (p.Arg68Leu).

NM_005343.4(HRAS):c.203G>T (p.Arg68Leu)

Genes: HRAS (HRas proto-oncogene, GTPase; minus strand), LRRC56 (leucine rich repeat containing 56; plus strand). Cytogenetic location: 11p15.5.
Variant type: single nucleotide variant.
Coding change: c.203G>T on transcript NM_005343.4 (MANE Select); coding-DNA position 203, G replaced by T.
Protein change: p.Arg68Leu; replaces arginine 68 with leucine.
Molecular consequence: missense variant. On other transcripts: 5 prime UTR variant (1).
Genome position (GRCh38, 1-based): chr11:533,853, C>A on the plus strand (G>T on the coding strand, the complement: HRAS is on the minus strand). VCF-style: chr11-533853-C-A. GRCh37 (hg19) VCF-style: chr11-533853-C-A.
Other names: c.203G>T, p.Arg68Leu (NM_001130442.3, NM_176795.5); c.-117G>T (NM_001318054.2); short protein forms R68L.
Identifiers: ClinVar variation 1021434 (VCV001021434.9), dbSNP rs730880461, ClinGen allele CA378924629.